The following is an entry in ClinVar:

ClinVar aggregate classification (germline): Uncertain significance (1 of 4 stars; one submission).

gnomAD v4.1: 10 of 1,614,102 alleles (0.00062%); highest among the groups gnomAD compares: East Asian, 0.0045%; no homozygotes.

Submission:

Labcorp Genetics (formerly Invitae), Labcorp
Classification: Uncertain significance. Last evaluated: 2024-10-30. Review status: criteria provided, single submitter. Criteria: Invitae Variant Classification Sherloc (09022015). Collection method: clinical testing. Allele origin: germline.
Comment: This sequence change replaces isoleucine, which is neutral and non-polar, with valine, which is neutral and non-polar, at codon 156 of the SPTBN2 protein (p.Ile156Val). This variant is present in population databases (rs753547565, gnomAD 0.01%). This variant has not been reported in the literature in individuals affected with SPTBN2-related conditions. Invitae Evidence Modeling of protein sequence and biophysical properties (such as structural, functional, and spatial information, amino acid conservation, physicochemical variation, residue mobility, and thermodynamic stability) indicates that this missense variant is expected to disrupt SPTBN2 protein function with a positive predictive value of 80%. In summary, the available evidence is currently insufficient to determine the role of this variant in disease. Therefore, it has been classified as a Variant of Uncertain Significance.

NM_006946.4(SPTBN2):c.466A>G (p.Ile156Val)

Gene: SPTBN2 (spectrin beta, non-erythrocytic 2; minus strand). Cytogenetic location: 11q13.2.
Variant type: single nucleotide variant.
Coding change: c.466A>G on transcript NM_006946.4 (MANE Select); coding-DNA position 466, A replaced by G.
Protein change: p.Ile156Val; replaces isoleucine 156 with valine.
Molecular consequence: missense variant.
Genome position (GRCh38, 1-based): chr11:66,715,239, T>C on the plus strand (A>G on the coding strand, the complement: SPTBN2 is on the minus strand). VCF-style: chr11-66715239-T-C. GRCh37 (hg19) VCF-style: chr11-66482710-T-C.
Other names: c.487A>G, p.Ile163Val (NM_001411025.1); short protein forms I156V, I163V.
Identifiers: ClinVar variation 3606195 (VCV003606195.2).